The following is an entry in ClinVar:

ClinVar aggregate classification (germline): Uncertain significance (1 of 4 stars; one submission).

Allele frequency attached by ClinVar (database versions not stated): ExAC 0.00003; gnomAD exomes 0.00003 and 0.00005; TOPMed 0.00005; gnomAD 0.00006 and 0.00007; ESP Exome Variant Server 0.00023.
gnomAD v4.1: 82 of 1,514,996 alleles (0.0054%); highest among the groups gnomAD compares: Non-Finnish European, 0.0069%; no homozygotes.

Submission:

Greenwood Genetic Center Diagnostic Laboratories, Greenwood Genetic Center
Classification: Uncertain significance. Last evaluated: 2021-07-23. Review status: criteria provided, single submitter. Criteria: ACMG Guidelines, 2015. Collection method: clinical testing. Allele origin: germline. Affected: yes.
Comment: PM2

NM_004446.3(EPRS1):c.1745A>G (p.Asn582Ser)

Gene: EPRS1 (glutamyl-prolyl-tRNA synthetase 1; minus strand). Cytogenetic location: 1q41.
Variant type: single nucleotide variant.
Coding change: c.1745A>G on transcript NM_004446.3 (MANE Select); coding-DNA position 1745, A replaced by G.
Protein change: p.Asn582Ser; replaces asparagine 582 with serine.
Molecular consequence: missense variant.
Genome position (GRCh38, 1-based): chr1:220,006,311, T>C on the plus strand (A>G on the coding strand, the complement: EPRS1 is on the minus strand). VCF-style: chr1-220006311-T-C. GRCh37 (hg19) VCF-style: chr1-220179653-T-C.
Other names: short protein forms N582S.
Identifiers: ClinVar variation 1334499 (VCV001334499.4), dbSNP rs138546345, ClinGen allele CA1400165.
Genomic context (GRCh38, chr1:220,006,311, plus strand): 5'-TTGTAGTCTTTGTTTTCCAAATTCAACTTTGCATCAAGAGATATGATTTTTCCATCTGCA[T>C]TTCTAGATATAAGATTAAAAGTATTCAAAGAAATATTAACCACAGCTGCCATAAATTCAT-3'
Protein context (NP_004437.2, residues 572-592): GNLNITKIHK[Asn582Ser]ADGKIISLDA